The following is an entry in ClinVar:

ClinVar aggregate classification (germline): Uncertain significance. Review status: criteria provided, multiple submitters, no conflicts (2 of 4 stars). 2 submissions from 2 submitters: Uncertain significance (2). Last evaluated 2024-09-09.

Conditions:
Familial cancer of breast. Also called: BREAST CANCER, FAMILIAL; hereditary breast carcinoma; Hereditary breast cancer. Identifiers: Orphanet 227535, MedGen C0346153, MONDO:0016419, OMIM 114480. Disease mechanism: loss of function.
Fanconi anemia complementation group J. Also called: BRIP1-Related Fanconi Anemia. Identifiers: Orphanet 84, MedGen C1836860, MONDO:0012187, OMIM 609054.

Allele frequency attached by ClinVar (database versions not stated): gnomAD exomes below 0.00001.
gnomAD v4.1: 2 of 1,614,092 alleles (0.00012%); highest among the groups gnomAD compares: South Asian, 0.0022%; no homozygotes.

Submissions (2):

KCCC/NGS Laboratory, Kuwait Cancer Control Center
Classification: Uncertain significance for Familial cancer of breast. Last evaluated: 2024-09-09. Review status: criteria provided, single submitter. Criteria: ACMG Guidelines, 2015. Collection method: clinical testing. Allele origin: germline. Inheritance: Autosomal dominant inheritance. Affected: yes. Observed: 1 heterozygote.
Comment: This sequence change replaces tyrosine, which is neutral and polar, with cysteine, which is neutral and slightly polar, at codon 353 of the BRIP1 protein (p.Tyr353Cys). This amino acid position is not strongly conserved (PhyloP=3.18). This variant is not present in population databases (gnomAD no frequency). This variant has not been reported in the literature in individuals affected with BRIP1-related conditions.Insillico predication showing that this variant is pathogenic . In summary, the available evidence is currently insufficient to determine the role of this variant in disease. Therefore, it has been classified as a Variant of Uncertain Significance. Pathogenic/likely pathogenic variants in the BRIP1 gene cause susceptibility to breast cancer (OMIM 114480).

Labcorp Genetics (formerly Invitae), Labcorp
Classification: Uncertain significance for Familial cancer of breast; Fanconi anemia complementation group J. Last evaluated: 2023-10-22. Review status: criteria provided, single submitter. Criteria: Invitae Variant Classification Sherloc (09022015). Collection method: clinical testing. Allele origin: germline.
Comment: This sequence change replaces tyrosine, which is neutral and polar, with cysteine, which is neutral and slightly polar, at codon 353 of the BRIP1 protein (p.Tyr353Cys). This variant is not present in population databases (gnomAD no frequency). This variant has not been reported in the literature in individuals affected with BRIP1-related conditions. Advanced modeling of protein sequence and biophysical properties (such as structural, functional, and spatial information, amino acid conservation, physicochemical variation, residue mobility, and thermodynamic stability) performed at Invitae indicates that this missense variant is not expected to disrupt BRIP1 protein function. In summary, the available evidence is currently insufficient to determine the role of this variant in disease. Therefore, it has been classified as a Variant of Uncertain Significance.

NM_032043.3(BRIP1):c.1058A>G (p.Tyr353Cys)

Gene: BRIP1 (BRCA1 interacting DNA helicase 1; minus strand). Cytogenetic location: 17q23.2.
Variant type: single nucleotide variant.
Coding change: c.1058A>G on transcript NM_032043.3 (MANE Select); coding-DNA position 1058, A replaced by G.
Protein change: p.Tyr353Cys; replaces tyrosine 353 with cysteine.
Molecular consequence: missense variant.
Genome position (GRCh38, 1-based): chr17:61,801,335, T>C on the plus strand (A>G on the coding strand, the complement: BRIP1 is on the minus strand). VCF-style: chr17-61801335-T-C. GRCh37 (hg19) VCF-style: chr17-59878696-T-C.
Other names: short protein forms Y353C.
Identifiers: ClinVar variation 2953182 (VCV002953182.5), dbSNP rs2077989056, ClinGen allele CA400484020.